The following is an entry in ClinVar:

NM_015978.3(TNNI3K):c.2476C>G (p.Arg826Gly)

Genes: TNNI3K (TNNI3 interacting kinase; plus strand), FPGT-TNNI3K (FPGT-TNNI3K readthrough; plus strand). Cytogenetic location: 1p31.1.
Variant type: single nucleotide variant.
Coding change: c.2476C>G on transcript NM_015978.3 (MANE Select); coding-DNA position 2476, C replaced by G.
Protein change: p.Arg826Gly; replaces arginine 826 with glycine.
Molecular consequence: missense variant.
Genome position (GRCh38, 1-based): chr1:74,543,950, C>G. VCF-style: chr1-74543950-C-G. GRCh37 (hg19) VCF-style: chr1-75009634-C-G.
Other names: p.Arg826Gly; c.2779C>G, p.Arg927Gly (NM_001112808.3); short protein forms R826G, R927G.
Identifiers: ClinVar variation 1634968 (VCV001634968.13), dbSNP rs201614312, ClinGen allele CA909919.

ClinVar aggregate classification (germline): Conflicting classifications of pathogenicity. Review status: criteria provided, conflicting classifications (1 of 4 stars). 5 submissions from 5 submitters: Uncertain significance (2); Likely benign (3). Last evaluated 2026-03-23.

Conditions:
TNNI3K-related disorder. Also called: TNNI3K-related condition.

Allele frequency attached by ClinVar (database versions not stated): ExAC 0.00008; ESP Exome Variant Server 0.00023.
gnomAD v4.1: 222 of 1,613,106 alleles (0.014%); highest among the groups gnomAD compares: Admixed American, 0.032%; no homozygotes.

Submissions (5):

PreventionGenetics, part of Exact Sciences
Classification: Uncertain significance for TNNI3K-related condition. Last evaluated: 2026-03-23. Review status: criteria provided, single submitter. Criteria: ACMG Guidelines, 2015. Collection method: clinical testing. Allele origin: germline.
Comment: The TNNI3K c.2476C>G variant is predicted to result in the amino acid substitution p.Arg826Gly. To our knowledge, this variant has not been reported in the literature. This variant is reported in 0.040% of alleles in individuals of Latino descent in gnomAD. Although we suspect that this variant may be benign, at this time, the clinical significance of this variant is uncertain due to the absence of conclusive functional and genetic evidence.

Labcorp Genetics (formerly Invitae), Labcorp
Classification: Likely benign. Last evaluated: 2025-12-13. Review status: criteria provided, single submitter. Criteria: Invitae Variant Classification Sherloc (09022015). Collection method: clinical testing. Allele origin: germline.

Molecular Diagnostic Laboratory for Inherited Cardiovascular Disease, Montreal Heart Institute
Classification: Likely benign. Last evaluated: 2025-04-09. Review status: criteria provided, single submitter. Criteria: ACMG Guidelines, 2015. Collection method: clinical testing. Allele origin: germline. Affected: no.

Mayo Clinic Laboratories, Mayo Clinic
Classification: Uncertain significance. Last evaluated: 2025-04-03. Review status: criteria provided, single submitter. Criteria: ACMG Guidelines, 2015. Collection method: clinical testing. Allele origin: germline. Observed: 1 variant allele.
Comment: BP4

Blueprint Genetics
Classification: Likely benign. Last evaluated: 2024-09-23. Review status: criteria provided, single submitter. Criteria: ACMG Guidelines, 2015. Collection method: clinical testing. Allele origin: germline.